The following is an entry in ClinVar:

NM_020774.4(MIB1):c.2245A>G (p.Lys749Glu)

Gene: MIB1 (MIB E3 ubiquitin protein ligase 1; plus strand). Cytogenetic location: 18q11.2.
Variant type: single nucleotide variant.
Coding change: c.2245A>G on transcript NM_020774.4 (MANE Select); coding-DNA position 2245, A replaced by G.
Protein change: p.Lys749Glu; replaces lysine 749 with glutamic acid.
Molecular consequence: missense variant.
Genome position (GRCh38, 1-based): chr18:21,846,977, A>G. VCF-style: chr18-21846977-A-G. GRCh37 (hg19) VCF-style: chr18-19426938-A-G.
Other names: short protein forms K749E.
Identifiers: ClinVar variation 1788329 (VCV001788329.2), dbSNP rs992986703, ClinGen allele CA296937010.

ClinVar aggregate classification (germline): Uncertain significance (1 of 4 stars; one submission).

Conditions:
Inborn genetic diseases. Identifiers: MedGen C0950123, MeSH D030342.

Allele frequency attached by ClinVar (database versions not stated): gnomAD exomes below 0.00001; TOPMed 0.00001.
gnomAD v4.1: 1 of 1,614,048 alleles (0.000062%); highest among the groups gnomAD compares: Admixed American, 0.0017%; no homozygotes.

Submission:

Ambry Genetics
Classification: Uncertain significance for Inborn genetic diseases. Last evaluated: 2022-06-14. Review status: criteria provided, single submitter. Criteria: Ambry Variant Classification Scheme 2023. Collection method: clinical testing. Allele origin: germline.
Comment: The p.K749E variant (also known as c.2245A>G), located in coding exon 16 of the MIB1 gene, results from an A to G substitution at nucleotide position 2245. The lysine at codon 749 is replaced by glutamic acid, an amino acid with similar properties. This amino acid position is conserved. In addition, the in silico prediction for this alteration is inconclusive. Since supporting evidence is limited at this time, the clinical significance of this alteration remains unclear.